The following is an entry in ClinVar:

NM_024301.5(FKRP):c.717C>T (p.Thr239=)

Gene: FKRP (fukutin related protein; plus strand). Cytogenetic location: 19q13.32.
Variant type: single nucleotide variant.
Coding change: c.717C>T on transcript NM_024301.5 (MANE Select); coding-DNA position 717, C replaced by T.
Protein change: p.Thr239=; no amino-acid change (threonine 239 retained).
Molecular consequence: synonymous variant.
Genome position (GRCh38, 1-based): chr19:46,756,167, C>T. VCF-style: chr19-46756167-C-T. GRCh37 (hg19) VCF-style: chr19-47259424-C-T.
Other names: c.717C>T, p.Thr239= (NM_001039885.3).
Identifiers: ClinVar variation 509924 (VCV000509924.21), dbSNP rs762375285, ClinGen allele CA9532193.
Genomic context (GRCh38, chr19:46,756,167, plus strand): 5'-CACCAGCCTCTTTCTGCAGACCGCCCTTCGCGGCTGGGCGGTGCAGCTGCTGGACTTGAC[C>T]TTCGCCGCGGCGCGCCAGCCCCCGCTGGCCACGGCCCACGCGCGCTGGAAGGCTGAGCGC-3'
Protein context (NP_077277.1, residues 229-249): RGWAVQLLDL[Thr239=]FAAARQPPLA

ClinVar aggregate classification (germline): Likely benign. Review status: criteria provided, multiple submitters, no conflicts (2 of 4 stars). 7 submissions from 7 submitters: Likely benign (6). 1 of the submissions does not count toward it. Last evaluated 2026-02-14.

Conditions:
Cardiovascular phenotype. Identifiers: MedGen CN230736.
FKRP-related disorder. Also called: FKRP-related condition.
Walker-Warburg congenital muscular dystrophy. Also called: Muscular dystrophy-dystroglycanopathy, type A; Walker-Warburg syndrome. Identifiers: Orphanet 899, MedGen C0265221, MONDO:0000171.

Allele frequency attached by ClinVar (database versions not stated): ExAC below 0.00001; gnomAD exomes 0.00001; TOPMed 0.00022; gnomAD 0.00023; 1000 Genomes Project 30x 0.00047.
gnomAD v4.1: 54 of 1,453,320 alleles (0.0037%); highest among the groups gnomAD compares: African/African-American, 0.078%; 1 homozygote.

Submissions (7):

Women's Health and Genetics/Laboratory Corporation of America, LabCorp
Classification: Likely benign. Last evaluated: 2026-02-14. Review status: criteria provided, single submitter. Criteria: LabCorp Variant Classification Summary - May 2015. Collection method: clinical testing. Allele origin: germline.

Labcorp Genetics (formerly Invitae), Labcorp
Classification: Likely benign for Walker-Warburg congenital muscular dystrophy. Last evaluated: 2025-12-24. Review status: criteria provided, single submitter. Criteria: Invitae Variant Classification Sherloc (09022015). Collection method: clinical testing. Allele origin: germline.

Molecular Diagnostic Laboratory for Inherited Cardiovascular Disease, Montreal Heart Institute
Classification: Likely benign. Last evaluated: 2025-07-24. Review status: criteria provided, single submitter. Criteria: ACMG Guidelines, 2015. Collection method: clinical testing. Allele origin: germline. Affected: no.
Comment: BP7

Blueprint Genetics
Classification: Likely benign. Last evaluated: 2022-03-14. Review status: criteria provided, single submitter. Criteria: ACMG Guidelines, 2015. Collection method: clinical testing. Allele origin: germline.

Ambry Genetics
Classification: Likely benign for Cardiovascular phenotype. Last evaluated: 2019-10-03. Review status: criteria provided, single submitter. Criteria: Ambry Variant Classification Scheme 2023. Collection method: clinical testing. Allele origin: germline.

GeneDx
Classification: Likely benign. Last evaluated: 2018-11-14. Review status: criteria provided, single submitter. Criteria: GeneDx Variant Classification Process June 2021. Collection method: clinical testing. Allele origin: germline. Affected: yes.

PreventionGenetics, part of Exact Sciences
Classification: Likely benign for FKRP-related condition. Last evaluated: 2020-09-23. Review status: no assertion criteria provided. Collection method: clinical testing. Allele origin: germline. Not counted in ClinVar's aggregate classification.
Comment: This variant is classified as likely benign based on ACMG/AMP sequence variant interpretation guidelines (Richards et al. 2015 PMID: 25741868, with internal and published modifications).